The following is an entry in ClinVar:

NM_198994.3(TGM6):c.2109C>T (p.Ala703=)

Gene: TGM6 (transglutaminase 6; plus strand). Cytogenetic location: 20p13.
Variant type: single nucleotide variant.
Coding change: c.2109C>T on transcript NM_198994.3 (MANE Select); coding-DNA position 2109, C replaced by T.
Protein change: p.Ala703=; no amino-acid change (alanine 703 retained).
Molecular consequence: synonymous variant. On other transcripts: 3 prime UTR variant (1).
Genome position (GRCh38, 1-based): chr20:2,432,631, C>T. VCF-style: chr20-2432631-C-T. GRCh37 (hg19) VCF-style: chr20-2413277-C-T.
Other names: p.Ala703=; c.*97C>T (NM_001254734.2).
Identifiers: ClinVar variation 741604 (VCV000741604.9), dbSNP rs754897031, ClinGen allele CA9732297.

ClinVar aggregate classification (germline): Benign/Likely benign. Review status: criteria provided, multiple submitters, no conflicts (2 of 4 stars). 3 submissions from 3 submitters: Benign (1); Likely benign (2). Last evaluated 2025-11-03.

Allele frequency attached by ClinVar (database versions not stated): gnomAD exomes 0.00003 and 0.00007; TOPMed 0.00002; ExAC 0.00003; gnomAD 0.00001.
gnomAD v4.1: 97 of 1,614,004 alleles (0.006%); highest among the groups gnomAD compares: Non-Finnish European, 0.008%; no homozygotes.

Submissions (3):

Athena Diagnostics
Classification: Benign. Last evaluated: 2025-11-03. Review status: criteria provided, single submitter. Criteria: Athena Diagnostics Criteria. Collection method: clinical testing. Allele origin: unknown.
Comment: The frequency of this variant in the general population is higher than would generally be expected for pathogenic variants in this gene. Computational tools yielded predictions that this variant is unlikely to have an effect on normal RNA splicing. This nucleotide position exhibits low evolutionary conservation.

Mayo Clinic Laboratories, Mayo Clinic
Classification: Likely benign. Last evaluated: 2025-07-15. Review status: criteria provided, single submitter. Criteria: ACMG Guidelines, 2015. Collection method: clinical testing. Allele origin: germline. Observed: 1 variant allele.
Comment: BS2, BP4, BP7

Labcorp Genetics (formerly Invitae), Labcorp
Classification: Likely benign. Last evaluated: 2023-05-22. Review status: criteria provided, single submitter. Criteria: Invitae Variant Classification Sherloc (09022015). Collection method: clinical testing. Allele origin: germline.